The following is an entry in ClinVar:

ClinVar aggregate classification (germline): Uncertain significance (1 of 4 stars; one submission).

Conditions:
Charcot-Marie-Tooth disease type 2. Also called: Charcot-Marie-Tooth type 2. Identifiers: Orphanet 64746, MedGen C0270914, MONDO:0018993.

Submission:

Labcorp Genetics (formerly Invitae), Labcorp
Classification: Uncertain significance for Charcot-Marie-Tooth disease type 2. Last evaluated: 2022-07-20. Review status: criteria provided, single submitter. Criteria: Invitae Variant Classification Sherloc (09022015). Collection method: clinical testing. Allele origin: germline.
Comment: This sequence change replaces proline, which is neutral and non-polar, with serine, which is neutral and polar, at codon 689 of the MED25 protein (p.Pro689Ser). This variant is not present in population databases (gnomAD no frequency). This variant has not been reported in the literature in individuals affected with MED25-related conditions. ClinVar contains an entry for this variant (Variation ID: 1490482). Algorithms developed to predict the effect of missense changes on protein structure and function are either unavailable or do not agree on the potential impact of this missense change (SIFT: "Tolerated"; PolyPhen-2: "Probably Damaging"; Align-GVGD: "Class C0"). In summary, the available evidence is currently insufficient to determine the role of this variant in disease. Therefore, it has been classified as a Variant of Uncertain Significance.

NM_030973.4(MED25):c.2065C>T (p.Pro689Ser)

Gene: MED25 (mediator complex subunit 25; plus strand). Cytogenetic location: 19q13.33.
Variant type: single nucleotide variant.
Coding change: c.2065C>T on transcript NM_030973.4 (MANE Select); coding-DNA position 2065, C replaced by T.
Protein change: p.Pro689Ser; replaces proline 689 with serine.
Molecular consequence: missense variant.
Genome position (GRCh38, 1-based): chr19:49,836,325, C>T. VCF-style: chr19-49836325-C-T. GRCh37 (hg19) VCF-style: chr19-50339582-C-T.
Other names: c.2065C>T, p.Pro689Ser (NM_001378355.1); short protein forms P689S.
Identifiers: ClinVar variation 1490482 (VCV001490482.6), dbSNP rs1352294152, ClinGen allele CA406921593.